The following is an entry in ClinVar:

ClinVar aggregate classification (germline): Pathogenic (1 of 4 stars; one submission).

Conditions:
Early-infantile DEE. Also called: Early infantile epileptic encephalopathy; Ohtahara syndrome; Early infantile epileptic encephalopathy with suppression bursts. Identifiers: Orphanet 1934, MedGen C0393706, MONDO:0800491.

Submission:

Labcorp Genetics (formerly Invitae), Labcorp
Classification: Pathogenic for Early-infantile DEE. Last evaluated: 2024-11-12. Review status: criteria provided, single submitter. Criteria: Invitae Variant Classification Sherloc (09022015). Collection method: clinical testing. Allele origin: germline.
Comment: This sequence change creates a premature translational stop signal (p.Ser483*) in the SCN1A gene. It is expected to result in an absent or disrupted protein product. Loss-of-function variants in SCN1A are known to be pathogenic (PMID: 17347258, 18930999). This variant is not present in population databases (gnomAD no frequency). This variant has not been reported in the literature in individuals affected with SCN1A-related conditions. For these reasons, this variant has been classified as Pathogenic.

Literature cited by the submitters: PubMed 17347258; PubMed 18930999.

NM_001165963.4(SCN1A):c.1448C>A (p.Ser483Ter)

Gene: SCN1A (sodium voltage-gated channel alpha subunit 1; minus strand). Cytogenetic location: 2q24.3.
Variant type: single nucleotide variant.
Coding change: c.1448C>A on transcript NM_001165963.4 (MANE Select); coding-DNA position 1448, C replaced by A.
Protein change: p.Ser483Ter; replaces serine 483 with a stop codon.
Molecular consequence: nonsense. On other transcripts: 5 prime UTR variant (1), non-coding transcript variant (1).
Genome position (GRCh38, 1-based): chr2:166,045,257, G>T on the plus strand (C>A on the coding strand, the complement: SCN1A is on the minus strand). VCF-style: chr2-166045257-G-T. GRCh37 (hg19) VCF-style: chr2-166901767-G-T.
Other names: c.1448C>A, p.Ser483Ter (NM_001165964.3, NM_001202435.3, NM_001353948.2 and 7 more transcripts); c.1445C>A, p.Ser482Ter (NM_001353954.2, NM_001353955.2, NM_001353960.2); c.-978C>A (NM_001353961.2); short protein forms S482*, S483*.
Identifiers: ClinVar variation 3725092 (VCV003725092.2).
Genomic context (GRCh38, chr2:166,045,257, plus strand): 5'-TTCTTCCTCCGATTTCTTCTTTCCTTAGCACTCTTGGAACTCAACTTAGAGGCTTCAGAT[G>T]AGCTGTCTGAGAGCCTGCCTGCTGCACTGGGCTCTCTGGAATGTTCTGAGGCAGTTGCCG-3'